The following is an entry in ClinVar:

ClinVar aggregate classification (germline): Uncertain significance. Review status: criteria provided, multiple submitters, no conflicts (2 of 4 stars). 2 submissions from 2 submitters: Uncertain significance (2). Last evaluated 2025-10-13.

Conditions:
Holoprosencephaly 11 (HPE11). Identifiers: Orphanet 2162, MedGen C3280215, MONDO:0013642, OMIM 614226.
Inborn genetic diseases. Identifiers: MedGen C0950123, MeSH D030342.

Allele frequency attached by ClinVar (database versions not stated): ExAC 0.00004; gnomAD 0.00005; TOPMed 0.00004.
gnomAD v4.1: 38 of 1,614,004 alleles (0.0024%); highest among the groups gnomAD compares: Admixed American, 0.012%; no homozygotes.

Submissions (2):

Labcorp Genetics (formerly Invitae), Labcorp
Classification: Uncertain significance for Holoprosencephaly 11. Last evaluated: 2025-10-13. Review status: criteria provided, single submitter. Criteria: Invitae Variant Classification Sherloc (09022015). Collection method: clinical testing. Allele origin: germline.
Comment: This sequence change replaces valine, which is neutral and non-polar, with methionine, which is neutral and non-polar, at codon 1082 of the CDON protein (p.Val1082Met). This variant is present in population databases (rs753463208, gnomAD 0.02%). This variant has not been reported in the literature in individuals affected with CDON-related conditions. ClinVar contains an entry for this variant (Variation ID: 2037164). Invitae Evidence Modeling of protein sequence and biophysical properties (such as structural, functional, and spatial information, amino acid conservation, physicochemical variation, residue mobility, and thermodynamic stability) indicates that this missense variant is not expected to disrupt CDON protein function with a negative predictive value of 80%. In summary, the available evidence is currently insufficient to determine the role of this variant in disease. Therefore, it has been classified as a Variant of Uncertain Significance.

Ambry Genetics
Classification: Uncertain significance for Inborn genetic diseases. Last evaluated: 2024-08-05. Review status: criteria provided, single submitter. Criteria: Ambry Variant Classification Scheme 2023. Collection method: clinical testing. Allele origin: germline.

NM_001378964.1(CDON):c.3244G>A (p.Val1082Met)

Gene: CDON (cell adhesion associated, oncogene regulated; minus strand). Cytogenetic location: 11q24.2.
Variant type: single nucleotide variant.
Coding change: c.3244G>A on transcript NM_001378964.1 (MANE Select); coding-DNA position 3244, G replaced by A.
Protein change: p.Val1082Met; replaces valine 1082 with methionine.
Molecular consequence: missense variant.
Genome position (GRCh38, 1-based): chr11:125,981,081, C>T on the plus strand (G>A on the coding strand, the complement: CDON is on the minus strand). VCF-style: chr11-125981081-C-T. GRCh37 (hg19) VCF-style: chr11-125850976-C-T.
Other names: c.3244G>A, p.Val1082Met (NM_001243597.3, NM_016952.6); short protein forms V1082M.
Identifiers: ClinVar variation 2037164 (VCV002037164.5), dbSNP rs753463208, ClinGen allele CA6351476.